The following is an entry in ClinVar:

ClinVar aggregate classification (germline): Uncertain significance (1 of 4 stars; one submission).

Allele frequency attached by ClinVar (database versions not stated): TOPMed below 0.00001; ExAC 0.00001; ESP Exome Variant Server 0.00008.

Submission:

Labcorp Genetics (formerly Invitae), Labcorp
Classification: Uncertain significance. Last evaluated: 2022-03-11. Review status: criteria provided, single submitter. Criteria: Invitae Variant Classification Sherloc (09022015). Collection method: clinical testing. Allele origin: germline.
Comment: This sequence change replaces proline, which is neutral and non-polar, with serine, which is neutral and polar, at codon 1119 of the TNS2 protein (p.Pro1119Ser). This variant is present in population databases (rs374401429, gnomAD 0.001%). This variant has not been reported in the literature in individuals affected with TNS2-related conditions. Algorithms developed to predict the effect of missense changes on protein structure and function output the following: SIFT: "Tolerated"; PolyPhen-2: "Benign"; Align-GVGD: "Class C0". The serine amino acid residue is found in multiple mammalian species, which suggests that this missense change does not adversely affect protein function. In summary, the available evidence is currently insufficient to determine the role of this variant in disease. Therefore, it has been classified as a Variant of Uncertain Significance.

NM_170754.4(TNS2):c.3325C>T (p.Pro1109Ser)

Gene: TNS2 (tensin 2; plus strand). Cytogenetic location: 12q13.13.
Variant type: single nucleotide variant.
Coding change: c.3325C>T on transcript NM_170754.4 (MANE Select); coding-DNA position 3325, C replaced by T.
Protein change: p.Pro1109Ser; replaces proline 1109 with serine.
Molecular consequence: missense variant.
Genome position (GRCh38, 1-based): chr12:53,061,231, C>T. VCF-style: chr12-53061231-C-T. GRCh37 (hg19) VCF-style: chr12-53455015-C-T.
Other names: c.3325C>T, p.Pro1109Ser (NM_001416202.1); c.3283C>T, p.Pro1095Ser (NM_001416203.1); c.3352C>T, p.Pro1118Ser (NM_001416204.1); c.3256C>T, p.Pro1086Ser (NM_015319.3); c.2953C>T, p.Pro985Ser (NM_198316.2); short protein forms P1109S, P1119S, P985S, P1086S, P1095S, P1118S.
Identifiers: ClinVar variation 2167433 (VCV002167433.4), dbSNP rs374401429, ClinGen allele CA6592814.